The following is an entry in ClinVar:

NM_001999.4(FBN2):c.8132C>G (p.Ser2711Cys)

Gene: FBN2 (fibrillin 2; minus strand). Cytogenetic location: 5q23.3.
Variant type: single nucleotide variant.
Coding change: c.8132C>G on transcript NM_001999.4 (MANE Select); coding-DNA position 8132, C replaced by G.
Protein change: p.Ser2711Cys; replaces serine 2711 with cysteine.
Molecular consequence: missense variant.
Genome position (GRCh38, 1-based): chr5:128,263,485, G>C on the plus strand (C>G on the coding strand, the complement: FBN2 is on the minus strand). VCF-style: chr5-128263485-G-C. GRCh37 (hg19) VCF-style: chr5-127599177-G-C.
Other names: short protein forms S2711C.
Identifiers: ClinVar variation 1468354 (VCV001468354.8), dbSNP rs758149534, ClinGen allele CA3393917.

ClinVar aggregate classification (germline): Uncertain significance (1 of 4 stars; one submission).

Conditions:
Congenital contractural arachnodactyly (CCA). Also called: Beals-Hecht syndrome; Arthrogryposis, distal, type 9; BEALS SYNDROME. Identifiers: Orphanet 115, MedGen C0220668, MONDO:0007363, OMIM 121050.

Allele frequency attached by ClinVar (database versions not stated): gnomAD exomes below 0.00001; ExAC 0.00002.
gnomAD v4.1: 2 of 1,614,098 alleles (0.00012%); highest among the groups gnomAD compares: Middle Eastern, 0.016%; no homozygotes.

Submission:

Labcorp Genetics (formerly Invitae), Labcorp
Classification: Uncertain significance for Congenital contractural arachnodactyly. Last evaluated: 2020-12-30. Review status: criteria provided, single submitter. Criteria: Invitae Variant Classification Sherloc (09022015). Collection method: clinical testing. Allele origin: germline.
Comment: In summary, the available evidence is currently insufficient to determine the role of this variant in disease. Therefore, it has been classified as a Variant of Uncertain Significance. Algorithms developed to predict the effect of missense changes on protein structure and function (SIFT, PolyPhen-2, Align-GVGD) all suggest that this variant is likely to be disruptive, but these predictions have not been confirmed by published functional studies and their clinical significance is uncertain. This variant has not been reported in the literature in individuals with FBN2-related conditions. The frequency data for this variant in the population databases is considered unreliable, as metrics indicate poor data quality at this position in the ExAC database. This sequence change replaces serine with cysteine at codon 2711 of the FBN2 protein (p.Ser2711Cys). The serine residue is highly conserved and there is a moderate physicochemical difference between serine and cysteine.